The following is an entry in ClinVar:

ClinVar aggregate classification (germline): Pathogenic (1 of 4 stars; one submission).

Conditions:
Neurofibromatosis, type 1 (NF1). Also called: Neurofibromatosis, type I; Peripheral type neurofibromatosis; NEUROFIBROMATOSIS, TYPE I, SOMATIC; VON RECKLINGHAUSEN DISEASE. Identifiers: Orphanet 636, MedGen C0027831, MONDO:0018975, OMIM 162200. Disease mechanism: loss of function.

Submission:

Labcorp Genetics (formerly Invitae), Labcorp
Classification: Pathogenic for Neurofibromatosis, type 1. Last evaluated: 2022-06-08. Review status: criteria provided, single submitter. Criteria: Invitae Variant Classification Sherloc (09022015). Collection method: clinical testing. Allele origin: germline.
Comment: For these reasons, this variant has been classified as Pathogenic. This variant has not been reported in the literature in individuals affected with NF1-related conditions. This variant is not present in population databases (gnomAD no frequency). This sequence change creates a premature translational stop signal (p.Gly312Glufs*6) in the NF1 gene. It is expected to result in an absent or disrupted protein product. Loss-of-function variants in NF1 are known to be pathogenic (PMID: 10712197, 23913538).

Literature cited by the submitters: PubMed 10712197; PubMed 23913538.

NM_001042492.3(NF1):c.933_934dup (p.Gly312fs)

Gene: NF1 (neurofibromin 1; plus strand). Cytogenetic location: 17q11.2.
Variant type: Duplication.
Coding change: c.933_934dup on transcript NM_001042492.3 (MANE Select); coding-DNA positions 933 to 934, 2 bases duplicated (AG; older notation c.933_934dupAG).
Protein change: p.Gly312fs; shifts the reading frame from glycine 312.
Molecular consequence: frameshift variant.
Genome position (GRCh38, 1-based): chr17:31,200,466-31,200,467, AG duplicated; duplicating any 2 consecutive bases within chr17:31,200,465-31,200,467 gives the same sequence; the c. name uses the placement nearest the transcript's 3' end. VCF-style (leftmost placement, unchanged base first): chr17-31200464-G-GGA. GRCh37 (hg19) VCF-style: chr17-29527482-G-GGA.
Other names: c.933_934dup, p.Gly312Glufs (NM_000267.4); c.933_934dup, p.Gly312fs (NM_001128147.3); short protein forms G312fs.
Identifiers: ClinVar variation 2003180 (VCV002003180.4), dbSNP rs2544793582, ClinGen allele CA2580092804.